The following is an entry in ClinVar:

NM_213599.3(ANO5):c.1629G>T (p.Met543Ile)

Gene: ANO5 (anoctamin 5; plus strand). Cytogenetic location: 11p14.3.
Variant type: single nucleotide variant.
Coding change: c.1629G>T on transcript NM_213599.3 (MANE Select); coding-DNA position 1629, G replaced by T.
Protein change: p.Met543Ile; replaces methionine 543 with isoleucine.
Molecular consequence: missense variant.
Genome position (GRCh38, 1-based): chr11:22,259,740, G>T. VCF-style: chr11-22259740-G-T. GRCh37 (hg19) VCF-style: chr11-22281286-G-T.
Other names: c.1626G>T, p.Met542Ile (NM_001142649.2); short protein forms M542I, M543I.
Identifiers: ClinVar variation 850382 (VCV000850382.11), dbSNP rs1854131377, ClinGen allele CA379922451.

ClinVar aggregate classification (germline): Uncertain significance. Review status: criteria provided, multiple submitters, no conflicts (2 of 4 stars). 2 submissions from 2 submitters: Uncertain significance (2). Last evaluated 2024-05-22.

Conditions:
Gnathodiaphyseal dysplasia (GDD). Also called: GNATHODIAPHYSEAL SCLEROSIS; OSTEOGENESIS IMPERFECTA WITH UNUSUAL SKELETAL LESIONS. Identifiers: Orphanet 53697, MedGen C1833736, MONDO:0008151, OMIM 166260.
Autosomal recessive limb-girdle muscular dystrophy type 2L (LGMDR12). Also called: MUSCULAR DYSTROPHY, LIMB-GIRDLE, AUTOSOMAL RECESSIVE 12; Limb-Girdle Muscular Dystrophy R12 Anoctamin-5-Related (LGMD-R12); Limb-girdle muscular dystrophy, type 2L. Identifiers: Orphanet 206549, MedGen C1969785, MONDO:0012652, OMIM 611307.

Allele frequency attached by ClinVar (database versions not stated): TOPMed below 0.00001.
gnomAD v4.1: 2 of 1,606,974 alleles (0.00012%); highest among the groups gnomAD compares: African/African-American, 0.0013%; no homozygotes.

Submissions (2):

Women's Health and Genetics/Laboratory Corporation of America, LabCorp
Classification: Uncertain significance. Last evaluated: 2024-05-22. Review status: criteria provided, single submitter. Criteria: LabCorp Variant Classification Summary - May 2015. Collection method: clinical testing. Allele origin: germline.

Labcorp Genetics (formerly Invitae), Labcorp
Classification: Uncertain significance for Autosomal recessive limb-girdle muscular dystrophy type 2L; Gnathodiaphyseal dysplasia. Last evaluated: 2024-02-17. Review status: criteria provided, single submitter. Criteria: Invitae Variant Classification Sherloc (09022015). Collection method: clinical testing. Allele origin: germline.
Comment: This sequence change replaces methionine, which is neutral and non-polar, with isoleucine, which is neutral and non-polar, at codon 543 of the ANO5 protein (p.Met543Ile). This variant is not present in population databases (gnomAD no frequency). This missense change has been observed in individual(s) with autosomal recessive Miyoshi myopathy (PMID: 23670307). ClinVar contains an entry for this variant (Variation ID: 850382). An algorithm developed to predict the effect of missense changes on protein structure and function (PolyPhen-2) suggests that this variant is likely to be disruptive. In summary, the available evidence is currently insufficient to determine the role of this variant in disease. Therefore, it has been classified as a Variant of Uncertain Significance.

Literature cited by the submitters: PubMed 23670307 (cited by Labcorp Genetics (formerly Invitae), Labcorp).